The following is an entry in ClinVar:

Single allele

Genes: ACADVL (acyl-CoA dehydrogenase very long chain; plus strand), ACAP1 (ArfGAP with coiled-coil, ankyrin repeat and PH domains 1; plus strand), CHRNB1 (cholinergic receptor nicotinic beta 1 subunit; plus strand), CLDN7 (claudin 7; minus strand), CTDNEP1 (CTD nuclear envelope phosphatase 1; minus strand) and 22 more. Cytogenetic location: 17p13.1.
Variant type: Duplication.
Identifiers: ClinVar variation 562231 (VCV000562231.2).

ClinVar aggregate classification (germline): Likely pathogenic (0 of 4 stars; one submission).

Conditions:
Bilateral conductive hearing impairment. Identifiers: MedGen C0452136, HP:0008513.
Abnormal esophagus physiology. Identifiers: MedGen C4476684, HP:0025270.
Isolated Pierre-Robin syndrome. Also called: Robin sequence; GLOSSOPTOSIS, MICROGNATHIA, AND CLEFT PALATE; Pierre-Robin sequence; pierre robin association; Pierre Robin Syndrome. Identifiers: Orphanet 718, MedGen C0031900, MONDO:0009869, OMIM 261800, HP:0000201.
Mild intellectual disability. Identifiers: MedGen C0026106, HP:0001256.

Submission:

Medical Genetics Lab, Policlinico S. Orsola.Malpighi
Classification: Likely pathogenic. Last evaluated: 2018-09-26. Review status: no assertion criteria provided. Collection method: clinical testing. Allele origin: de novo. Affected: yes.
Comment: This is a small, rare, de novo duplication. Several genes are involved. In the medical literature, a 17p13.1 microduplication syndrome has been described, based on report of six distinct patients with overlapping 17p13.1 duplications and similar clinical features. Considering the de novo origin and the clinical overlap with other patients carrying 17p13.1 duplications, we classify this CNV as likely pathogenic.

Literature cited by the submitters: DOI 10.1016/j.gene.2019.05.007.